The following is an entry in ClinVar:

NM_000051.4(ATM):c.6834_6838del (p.Lys2279fs)

Genes: ATM (ATM serine/threonine kinase; plus strand), C11orf65 (chromosome 11 open reading frame 65; minus strand). Cytogenetic location: 11q22.3.
Variant type: Deletion.
Coding change: c.6834_6838del on transcript NM_000051.4 (MANE Select); coding-DNA positions 6834 to 6838, 5 bases deleted (TAAAC; older notation c.6834_6838delTAAAC).
Protein change: p.Lys2279fs; shifts the reading frame from lysine 2279.
Molecular consequence: frameshift variant. On other transcripts: intron variant (2).
Genome position (GRCh38, 1-based): chr11:108,326,084-108,326,088, TAAAC deleted. VCF-style (leftmost placement, unchanged base first): chr11-108326083-TTAAAC-T. GRCh37 (hg19) VCF-style: chr11-108196810-TTAAAC-T.
Other names: c.6834_6838del, p.Lys2279fs (NM_001351834.2); c.641-17017_641-17013del (NM_001330368.2); c.*38+9132_*38+9136del (NM_001351110.2); short protein forms K2279fs.
Identifiers: ClinVar variation 3148609 (VCV003148609.1), dbSNP rs2547215714, ClinGen allele CA2825001936.

ClinVar aggregate classification (germline): Pathogenic (1 of 4 stars; one submission).

Conditions:
Familial cancer of breast. Also called: hereditary breast carcinoma; BREAST CANCER, FAMILIAL; Hereditary breast cancer. Identifiers: Orphanet 227535, MedGen C0346153, MONDO:0016419, OMIM 114480. Disease mechanism: loss of function.

Submission:

Myriad Genetics, Inc.
Classification: Pathogenic for Familial cancer of breast. Last evaluated: 2024-01-30. Review status: criteria provided, single submitter. Criteria: Myriad Autosomal Dominant, Autosomal Recessive and X-Linked Classification Criteria (2023). Collection method: clinical testing. Allele origin: unknown.
Comment: This variant is considered pathogenic. This variant creates a frameshift predicted to result in premature protein truncation.